The following is an entry in ClinVar:

ClinVar aggregate classification (germline): Pathogenic. Review status: criteria provided, multiple submitters, no conflicts (2 of 4 stars). 3 submissions from 3 submitters: Pathogenic (2). 1 of the submissions does not count toward it. Last evaluated 2024-09-03.

Conditions:
Cardiovascular phenotype. Identifiers: MedGen CN230736.
Hereditary cancer-predisposing syndrome. Also called: Hereditary Cancer Syndrome; Tumor predisposition; Hereditary neoplastic syndrome; Neoplastic Syndromes, Hereditary. Identifiers: Orphanet 140162, MedGen C0027672, MeSH D009386, MONDO:0015356.
Neurofibromatosis, type 1 (NF1). Also called: Peripheral type neurofibromatosis; Neurofibromatosis, type I; VON RECKLINGHAUSEN DISEASE; NEUROFIBROMATOSIS, TYPE I, SOMATIC. Identifiers: Orphanet 636, MedGen C0027831, MONDO:0018975, OMIM 162200. Disease mechanism: loss of function.

Submissions (3):

Labcorp Genetics (formerly Invitae), Labcorp
Classification: Pathogenic for Neurofibromatosis, type 1. Last evaluated: 2024-09-03. Review status: criteria provided, single submitter. Criteria: Invitae Variant Classification Sherloc (09022015). Collection method: clinical testing. Allele origin: germline.
Comment: This sequence change creates a premature translational stop signal (p.Gly1417Alafs*2) in the NF1 gene. It is expected to result in an absent or disrupted protein product. Loss-of-function variants in NF1 are known to be pathogenic (PMID: 10712197, 23913538). This variant is not present in population databases (gnomAD no frequency). This variant has not been reported in the literature in individuals affected with NF1-related conditions. ClinVar contains an entry for this variant (Variation ID: 1048737). Algorithms developed to predict the effect of sequence changes on RNA splicing suggest that this variant may disrupt the consensus splice site. For these reasons, this variant has been classified as Pathogenic.

Ambry Genetics
Classification: Pathogenic for Cardiovascular phenotype; Hereditary cancer-predisposing syndrome. Last evaluated: 2024-08-16. Review status: criteria provided, single submitter. Criteria: Ambry Variant Classification Scheme 2023. Collection method: clinical testing. Allele origin: germline.
Comment: The c.4250delG pathogenic mutation, located in coding exon 31 of the NF1 gene, results from a deletion of one nucleotide at nucleotide position 4250, causing a translational frameshift with a predicted alternate stop codon (p.G1417Afs*2). This variant is considered to be rare based on population cohorts in the Genome Aggregation Database (gnomAD). This alteration is expected to result in loss of function by premature protein truncation or nonsense-mediated mRNA decay. As such, this alteration is interpreted as a disease-causing mutation.

Laboratory of Medical Genetics, National & Kapodistrian University of Athens
Classification: Pathogenic for Neurofibromatosis, type 1. Last evaluated: 2019-01-01. Review status: no assertion criteria provided. Collection method: clinical testing. Allele origin: germline. Affected: yes. Not counted in ClinVar's aggregate classification.

Literature cited by the submitters: PubMed 10712197 (cited by Labcorp Genetics (formerly Invitae), Labcorp); PubMed 23913538 (cited by Labcorp Genetics (formerly Invitae), Labcorp).

NM_001042492.3(NF1):c.4313del (p.Gly1438fs)

Gene: NF1 (neurofibromin 1; plus strand). Cytogenetic location: 17q11.2.
Variant type: Deletion.
Coding change: c.4313del on transcript NM_001042492.3 (MANE Select); coding-DNA position 4313, one base deleted (G; older notation c.4313delG).
Protein change: p.Gly1438fs; shifts the reading frame from glycine 1438.
Molecular consequence: frameshift variant.
Genome position (GRCh38, 1-based): chr17:31,258,483, G deleted; the last of 4 consecutive G bases (chr17:31,258,480-31,258,483); deleting any one gives the same sequence. VCF-style (leftmost placement, unchanged base first): chr17-31258479-AG-A. GRCh37 (hg19) VCF-style: chr17-29585497-AG-A.
Other names: c.4250delG, p.Gly1417Alafs (NM_000267.4); c.4313delG (NM_001042492.3); c.4250delG (NM_000267.3); short protein forms G1417fs, G1438fs.
Identifiers: ClinVar variation 1048737 (VCV001048737.4), dbSNP rs2151462156, ClinGen allele CA2499224130.